The following is an entry in ClinVar:

ClinVar aggregate classification (germline): Pathogenic (1 of 4 stars; one submission).

Submission:

Labcorp Genetics (formerly Invitae), Labcorp
Classification: Pathogenic. Last evaluated: 2022-03-03. Review status: criteria provided, single submitter. Criteria: Invitae Variant Classification Sherloc (09022015). Collection method: clinical testing. Allele origin: germline.
Comment: This sequence change creates a premature translational stop signal (p.Val1216Phefs*59) in the ABCA4 gene. It is expected to result in an absent or disrupted protein product. Loss-of-function variants in ABCA4 are known to be pathogenic (PMID: 10958761, 24938718, 25312043, 26780318). This variant is not present in population databases (gnomAD no frequency). This premature translational stop signal has been observed in individual(s) with Stargardt disease (Invitae). ClinVar contains an entry for this variant (Variation ID: 938181). For these reasons, this variant has been classified as Pathogenic.

Literature cited by the submitters: PubMed 10958761; PubMed 24938718; PubMed 25312043; PubMed 26780318.

NM_000350.3(ABCA4):c.3646del (p.Val1216fs)

Genes: ABCA4 (ATP binding cassette subfamily A member 4; minus strand), LOC126805794 (BRD4-independent group 4 enhancer GRCh37_chr1:94502188-94503387; plus strand). Cytogenetic location: 1p22.1.
Variant type: Deletion.
Coding change: c.3646del on transcript NM_000350.3 (MANE Select); coding-DNA position 3646, one base deleted (G; older notation c.3646delG).
Protein change: p.Val1216fs; shifts the reading frame from valine 1216.
Molecular consequence: frameshift variant.
Genome position (GRCh38, 1-based): chr1:94,037,312, C deleted on the plus strand (G on the coding strand, the reverse complement: ABCA4 is on the minus strand). VCF-style (leftmost placement, unchanged base first): chr1-94037311-AC-A. GRCh37 (hg19) VCF-style: chr1-94502867-AC-A.
Other names: c.3424delG, p.Val1142Phefs (NM_001425324.1); short protein forms V1216fs.
Identifiers: ClinVar variation 938181 (VCV000938181.10), dbSNP rs1660366419, ClinGen allele CA1139656203.